The following is an entry in ClinVar:

ClinVar aggregate classification (germline): Uncertain significance. Review status: criteria provided, multiple submitters, no conflicts (2 of 4 stars). 2 submissions from 2 submitters: Uncertain significance (2). Last evaluated 2022-08-22.

Conditions:
Succinate-semialdehyde dehydrogenase deficiency (SSADHD). Also called: Succinic Semialdehyde Dehydrogenase Deficiency; SSADH DEFICIENCY; 4-HYDROXYBUTYRIC ACIDURIA; GABA METABOLIC DEFECT. Identifiers: Orphanet 22, MedGen C0268631, MONDO:0010083, OMIM 271980.

Allele frequency attached by ClinVar (database versions not stated): gnomAD exomes 0.00006; gnomAD 0.00011; TOPMed 0.00011.
gnomAD v4.1: 32 of 1,533,020 alleles (0.0021%); highest among the groups gnomAD compares: Admixed American, 0.057%; no homozygotes.

Submissions (2):

Labcorp Genetics (formerly Invitae), Labcorp
Classification: Uncertain significance for Succinate-semialdehyde dehydrogenase deficiency. Last evaluated: 2022-08-22. Review status: criteria provided, single submitter. Criteria: Invitae Variant Classification Sherloc (09022015). Collection method: clinical testing. Allele origin: germline.
Comment: This sequence change replaces valine, which is neutral and non-polar, with glycine, which is neutral and non-polar, at codon 102 of the ALDH5A1 protein (p.Val102Gly). This variant is present in population databases (no rsID available, gnomAD 0.04%). This variant has not been reported in the literature in individuals affected with ALDH5A1-related conditions. ClinVar contains an entry for this variant (Variation ID: 850893). Advanced modeling of protein sequence and biophysical properties (such as structural, functional, and spatial information, amino acid conservation, physicochemical variation, residue mobility, and thermodynamic stability) performed at Invitae indicates that this missense variant is expected to disrupt ALDH5A1 protein function. In summary, the available evidence is currently insufficient to determine the role of this variant in disease. Therefore, it has been classified as a Variant of Uncertain Significance.

GeneDx
Classification: Uncertain significance. Last evaluated: 2022-05-16. Review status: criteria provided, single submitter. Criteria: GeneDx Variant Classification Process June 2021. Collection method: clinical testing. Allele origin: germline. Affected: yes.
Comment: In silico analysis supports that this missense variant has a deleterious effect on protein structure/function; Has not been previously published as pathogenic or benign to our knowledge

NM_001080.3(ALDH5A1):c.305T>G (p.Val102Gly)

Genes: ALDH5A1 (aldehyde dehydrogenase 5 family member A1; plus strand), LOC129995978 (ATAC-STARR-seq lymphoblastoid silent region 16989; plus strand). Cytogenetic location: 6p22.3.
Variant type: single nucleotide variant.
Coding change: c.305T>G on transcript NM_001080.3 (MANE Select); coding-DNA position 305, T replaced by G.
Protein change: p.Val102Gly; replaces valine 102 with glycine.
Molecular consequence: missense variant.
Genome position (GRCh38, 1-based): chr6:24,495,301, T>G. VCF-style: chr6-24495301-T-G. GRCh37 (hg19) VCF-style: chr6-24495529-T-G.
Other names: c.305T>G, p.Val102Gly (NM_001368954.1, NM_170740.1); short protein forms V102G.
Identifiers: ClinVar variation 850893 (VCV000850893.6), dbSNP rs1299289161, ClinGen allele CA362968642.